The following is an entry in ClinVar:

ClinVar aggregate classification (germline): Uncertain significance (1 of 4 stars; one submission).

Conditions:
Senior-Loken syndrome 7 (SLSN7). Identifiers: Orphanet 3156, MedGen C3150877, MONDO:0013326, OMIM 613615.
Bardet-Biedl syndrome 16 (BBS16). Identifiers: Orphanet 110, MedGen C3889474, MONDO:0014444, OMIM 615993.

Submission:

Labcorp Genetics (formerly Invitae), Labcorp
Classification: Uncertain significance for Bardet-Biedl syndrome 16; Senior-Loken syndrome 7. Last evaluated: 2021-04-02. Review status: criteria provided, single submitter. Criteria: Invitae Variant Classification Sherloc (09022015). Collection method: clinical testing. Allele origin: germline.
Comment: In summary, the available evidence is currently insufficient to determine the role of this variant in disease. Therefore, it has been classified as a Variant of Uncertain Significance. Algorithms developed to predict the effect of missense changes on protein structure and function are either unavailable or do not agree on the potential impact of this missense change (SIFT: "Deleterious"; PolyPhen-2: "Possibly Damaging"; Align-GVGD: "Class C0"). This variant has not been reported in the literature in individuals with SDCCAG8-related conditions. This variant is not present in population databases (ExAC no frequency). This sequence change replaces arginine with glycine at codon 476 of the SDCCAG8 protein (p.Arg476Gly). The arginine residue is moderately conserved and there is a moderate physicochemical difference between arginine and glycine.

NM_006642.5(SDCCAG8):c.1426A>G (p.Arg476Gly)

Gene: SDCCAG8 (SHH signaling and ciliogenesis regulator SDCCAG8; plus strand). Cytogenetic location: 1q43.
Variant type: single nucleotide variant.
Coding change: c.1426A>G on transcript NM_006642.5 (MANE Select); coding-DNA position 1426, A replaced by G.
Protein change: p.Arg476Gly; replaces arginine 476 with glycine.
Molecular consequence: missense variant.
Genome position (GRCh38, 1-based): chr1:243,344,284, A>G. VCF-style: chr1-243344284-A-G. GRCh37 (hg19) VCF-style: chr1-243507586-A-G.
Other names: c.523A>G, p.Arg175Gly (NM_001350246.2, NM_001350247.2, NM_001350251.2); c.1522A>G, p.Arg508Gly (NM_001350248.2); c.1132A>G, p.Arg378Gly (NM_001350249.2); short protein forms R175G, R476G, R378G, R508G.
Identifiers: ClinVar variation 1387175 (VCV001387175.8), dbSNP rs2147791136, ClinGen allele CA345475955.